The following is an entry in ClinVar:

NM_001852.4(COL9A2):c.1139C>T (p.Pro380Leu)

Gene: COL9A2 (collagen type IX alpha 2 chain; minus strand). Cytogenetic location: 1p34.2.
Variant type: single nucleotide variant.
Coding change: c.1139C>T on transcript NM_001852.4 (MANE Select); coding-DNA position 1139, C replaced by T.
Protein change: p.Pro380Leu; replaces proline 380 with leucine.
Molecular consequence: missense variant.
Genome position (GRCh38, 1-based): chr1:40,304,816, G>A on the plus strand (C>T on the coding strand, the complement: COL9A2 is on the minus strand). VCF-style: chr1-40304816-G-A. GRCh37 (hg19) VCF-style: chr1-40770488-G-A.
Other names: short protein forms P380L.
Identifiers: ClinVar variation 2695698 (VCV002695698.3), dbSNP rs2522502899, ClinGen allele CA339850942.

ClinVar aggregate classification (germline): Uncertain significance (1 of 4 stars; one submission).

Allele frequency attached by ClinVar (database versions not stated): gnomAD exomes below 0.00001.
gnomAD v4.1: 1 of 1,550,874 alleles (0.000064%); highest among the groups gnomAD compares: Non-Finnish European, 0.000087%; no homozygotes.

Submission:

Labcorp Genetics (formerly Invitae), Labcorp
Classification: Uncertain significance. Last evaluated: 2023-11-13. Review status: criteria provided, single submitter. Criteria: Invitae Variant Classification Sherloc (09022015). Collection method: clinical testing. Allele origin: germline.
Comment: This sequence change replaces proline, which is neutral and non-polar, with leucine, which is neutral and non-polar, at codon 380 of the COL9A2 protein (p.Pro380Leu). This variant is not present in population databases (gnomAD no frequency). This variant has not been reported in the literature in individuals affected with COL9A2-related conditions. Advanced modeling of protein sequence and biophysical properties (such as structural, functional, and spatial information, amino acid conservation, physicochemical variation, residue mobility, and thermodynamic stability) performed at Invitae indicates that this missense variant is not expected to disrupt COL9A2 protein function with a negative predictive value of 95%. In summary, the available evidence is currently insufficient to determine the role of this variant in disease. Therefore, it has been classified as a Variant of Uncertain Significance.